The following is an entry in ClinVar:

ClinVar aggregate classification (germline): Likely benign (1 of 4 stars; one submission).

Allele frequency attached by ClinVar (database versions not stated): gnomAD exomes below 0.00001; ExAC 0.00001; gnomAD 0.00001; TOPMed 0.00001.
gnomAD v4.1: 5 of 1,610,846 alleles (0.00031%); highest among the groups gnomAD compares: Non-Finnish European, 0.00042%; no homozygotes.

Submission:

CeGaT Center for Human Genetics Tuebingen
Classification: Likely benign. Last evaluated: 2023-08-01. Review status: criteria provided, single submitter. Criteria: CeGaT Center For Human Genetics Tuebingen Variant Classification Criteria Version 2. Collection method: clinical testing. Allele origin: germline. Affected: yes. Observed: 1 variant allele.
Comment: EXOC2: BP4, BP7

NM_018303.6(EXOC2):c.2448T>C (p.Ile816=)

Gene: EXOC2 (exocyst complex component 2; minus strand). Cytogenetic location: 6p25.3.
Variant type: single nucleotide variant.
Coding change: c.2448T>C on transcript NM_018303.6 (MANE Select); coding-DNA position 2448, T replaced by C.
Protein change: p.Ile816=; no amino-acid change (isoleucine 816 retained).
Molecular consequence: synonymous variant. On other transcripts: non-coding transcript variant (1).
Genome position (GRCh38, 1-based): chr6:497,478, A>G on the plus strand (T>C on the coding strand, the complement: EXOC2 is on the minus strand). VCF-style: chr6-497478-A-G. GRCh37 (hg19) VCF-style: chr6-497478-A-G.
Identifiers: ClinVar variation 2656165 (VCV002656165.24), dbSNP rs781493369, ClinGen allele CA3613149.